The following is an entry in ClinVar:

NC_000023.11:g.(?_31879410)_(31932237_?)del

Gene: DMD (dystrophin; minus strand). Cytogenetic location: Xp21.1.
Variant type: Deletion.
Identifiers: ClinVar variation 832063 (VCV000832063.1).

ClinVar aggregate classification (germline): Pathogenic (1 of 4 stars; one submission).

Conditions:
Duchenne muscular dystrophy (DMD). Also called: Duchenne Muscular Dystrophy (DMD); MUSCULAR DYSTROPHY, PSEUDOHYPERTROPHIC PROGRESSIVE, DUCHENNE TYPE. Identifiers: Orphanet 98896, MedGen C0013264, MONDO:0010679, OMIM 310200.

Submission:

Labcorp Genetics (formerly Invitae), Labcorp
Classification: Pathogenic for Duchenne muscular dystrophy. Last evaluated: 2019-11-13. Review status: criteria provided, single submitter. Criteria: Invitae Variant Classification Sherloc (09022015). Collection method: clinical testing. Allele origin: germline.
Comment: This variant is a gross deletion of the genomic region encompassing exons 46-47 of the DMD gene. This out-of-frame deletion creates a premature translational stop signal and is expected to result in an absent or disrupted protein product. Loss-of-function variants in DMD are known to be pathogenic. This particular variant has been reported in the literature in many individuals affected with Duchenne muscular dystrophy (PMID: 22090376, 18752307, 15723292, 9800909, 18683213, 20944443, 24217213). For these reasons, this variant has been classified as Pathogenic.

Literature cited by the submitters: PubMed 22090376; PubMed 18752307; PubMed 18683213; PubMed 15723292; PubMed 9800909; PubMed 24217213; PubMed 20944443.